The following is an entry in ClinVar:

NM_004795.4(KL):c.1391del (p.Phe464fs)

Gene: KL (klotho; plus strand). Cytogenetic location: 13q13.1.
Variant type: Deletion.
Coding change: c.1391del on transcript NM_004795.4 (MANE Select); coding-DNA position 1391, one base deleted (T; older notation c.1391delT).
Protein change: p.Phe464fs; shifts the reading frame from phenylalanine 464.
Molecular consequence: frameshift variant.
Genome position (GRCh38, 1-based): chr13:33,055,107, T deleted; the last of 3 consecutive T bases (chr13:33,055,105-33,055,107); deleting any one gives the same sequence. VCF-style (leftmost placement, unchanged base first): chr13-33055104-GT-G. GRCh37 (hg19) VCF-style: chr13-33629241-GT-G.
Other names: short protein forms F464fs.
Identifiers: ClinVar variation 2765460 (VCV002765460.3), dbSNP rs750225113, ClinGen allele CA247529003.

ClinVar aggregate classification (germline): Uncertain significance (1 of 4 stars; one submission).

Submission:

Labcorp Genetics (formerly Invitae), Labcorp
Classification: Uncertain significance. Last evaluated: 2023-10-11. Review status: criteria provided, single submitter. Criteria: Invitae Variant Classification Sherloc (09022015). Collection method: clinical testing. Allele origin: germline.
Comment: This sequence change creates a premature translational stop signal (p.Phe464Serfs*19) in the KL gene. It is expected to result in an absent or disrupted protein product. However, the current clinical and genetic evidence is not sufficient to establish whether loss-of-function variants in KL cause disease. This variant is not present in population databases (gnomAD no frequency). This variant has not been reported in the literature in individuals affected with KL-related conditions. In summary, the available evidence is currently insufficient to determine the role of this variant in disease. Therefore, it has been classified as a Variant of Uncertain Significance.